The following is an entry in ClinVar:

NM_170606.3(KMT2C):c.9101C>G (p.Pro3034Arg)

Gene: KMT2C (lysine methyltransferase 2C; minus strand). Cytogenetic location: 7q36.1.
Variant type: single nucleotide variant.
Coding change: c.9101C>G on transcript NM_170606.3 (MANE Select); coding-DNA position 9101, C replaced by G.
Protein change: p.Pro3034Arg; replaces proline 3034 with arginine.
Molecular consequence: missense variant.
Genome position (GRCh38, 1-based): chr7:152,176,352, G>C on the plus strand (C>G on the coding strand, the complement: KMT2C is on the minus strand). VCF-style: chr7-152176352-G-C. GRCh37 (hg19) VCF-style: chr7-151873437-G-C.
Other names: short protein forms P3034R.
Identifiers: ClinVar variation 1703140 (VCV001703140.3), dbSNP rs2129112892, ClinGen allele CA370076339.

ClinVar aggregate classification (germline): Uncertain significance (1 of 4 stars; one submission).

Allele frequency attached by ClinVar (database versions not stated): gnomAD exomes below 0.00001.
gnomAD v4.1: 2 of 1,614,112 alleles (0.00012%); highest among the groups gnomAD compares: Non-Finnish European, 0.00017%; no homozygotes.

Submission:

Greenwood Genetic Center Diagnostic Laboratories, Greenwood Genetic Center
Classification: Uncertain significance. Last evaluated: 2022-04-14. Review status: criteria provided, single submitter. Criteria: ACMG Guidelines, 2015. Collection method: clinical testing. Allele origin: germline. Affected: yes.
Comment: PM2, PP3